The following is an entry in ClinVar:

ClinVar aggregate classification (germline): Uncertain significance (1 of 4 stars; one submission).

Conditions:
Hereditary factor XI deficiency disease. Also called: Congenital factor XI deficiency; PLASMA THROMBOPLASTIN ANTECEDENT DEFICIENCY; PTA DEFICIENCY; ROSENTHAL SYNDROME. Identifiers: Orphanet 329, MedGen C0015523, MeSH D005173, MONDO:0012897, OMIM 612416.

Submission:

Neuberg Centre For Genomic Medicine, NCGM
Classification: Uncertain significance for Hereditary factor XI deficiency disease. Review status: criteria provided, single submitter. Criteria: ACMG Guidelines, 2015. Collection method: clinical testing. Allele origin: germline. Inheritance: Autosomal dominant inheritance. Affected: yes.
Comment: The observed missense variant c.508A>T (p.Thr170Ser) in F11 gene has not been reported previously as a pathogenic variant nor as a benign variant, to our knowledge. The p.Thr170Ser variant is absent in gnomAD Exomes database. This variant has not been submitted to the ClinVar database. The amino acid change p.Thr170Ser in F11 is predicted as conserved by GERP++ and PhyloP across 100 vertebrates. The amino acid Thr at position 170 is changed to a Ser changing protein sequence and it might alter its composition and physico-chemical properties. Multiple lines of computational evidence suggests no effect on structure and function. For these reasons, this variant has been classified as a Variant of Uncertain Significance (VUS).

NM_000128.4(F11):c.508A>T (p.Thr170Ser)

Gene: F11 (coagulation factor XI; plus strand). Cytogenetic location: 4q35.2.
Variant type: single nucleotide variant.
Coding change: c.508A>T on transcript NM_000128.4 (MANE Select); coding-DNA position 508, A replaced by T.
Protein change: p.Thr170Ser; replaces threonine 170 with serine.
Molecular consequence: missense variant.
Genome position (GRCh38, 1-based): chr4:186,275,809, A>T. VCF-style: chr4-186275809-A-T. GRCh37 (hg19) VCF-style: chr4-187196963-A-T.
Other names: short protein forms T170S.
Identifiers: ClinVar variation 2585031 (VCV002585031.2), dbSNP rs1740318983, ClinGen allele CA358958815.
Genomic context (GRCh38, chr4:186,275,809, plus strand): 5'-GGAAGAATAAGACACTTTTCCTTTTTCTTTTTATTCAGTAACATTTGTCTACTGAAGCAC[A>T]CCCAAACAGGGACACCAACCAGAATAACGAAGCTCGATAAAGTGGTGTCTGGATTTTCAC-3'
Protein context (NP_000119.1, residues 160-180): EHRNICLLKH[Thr170Ser]QTGTPTRITK